The following is an entry in ClinVar:

NM_003183.6(ADAM17):c.1685A>G (p.Glu562Gly)

Genes: ADAM17 (ADAM metallopeptidase domain 17; minus strand), IAH1 (isoamyl acetate hydrolyzing esterase 1 (putative); plus strand). Cytogenetic location: 2p25.1.
Variant type: single nucleotide variant.
Coding change: c.1685A>G on transcript NM_003183.6 (MANE Select); coding-DNA position 1685, A replaced by G.
Protein change: p.Glu562Gly; replaces glutamic acid 562 with glycine.
Molecular consequence: missense variant.
Genome position (GRCh38, 1-based): chr2:9,497,212, T>C on the plus strand (A>G on the coding strand, the complement: ADAM17 is on the minus strand). VCF-style: chr2-9497212-T-C. GRCh37 (hg19) VCF-style: chr2-9637341-T-C.
Other names: c.1025A>G, p.Glu342Gly (NM_001382777.1); c.788A>G, p.Glu263Gly (NM_001382778.1); short protein forms E263G, E342G, E562G.
Identifiers: ClinVar variation 1056743 (VCV001056743.9), dbSNP rs750249923, ClinGen allele CA1523433.

ClinVar aggregate classification (germline): Uncertain significance (1 of 4 stars; one submission).

Conditions:
Inflammatory skin and bowel disease, neonatal, 1. Identifiers: Orphanet 294023, MedGen C3280501, MONDO:0013693, OMIM 614328.

Allele frequency attached by ClinVar (database versions not stated): gnomAD exomes 0.00002 and 0.00004; ExAC 0.00004.
gnomAD v4.1: 24 of 1,614,236 alleles (0.0015%); highest among the groups gnomAD compares: South Asian, 0.026%; no homozygotes.

Submission:

Labcorp Genetics (formerly Invitae), Labcorp
Classification: Uncertain significance for Inflammatory skin and bowel disease, neonatal, 1. Last evaluated: 2023-02-18. Review status: criteria provided, single submitter. Criteria: Invitae Variant Classification Sherloc (09022015). Collection method: clinical testing. Allele origin: germline.
Comment: This sequence change replaces glutamic acid, which is acidic and polar, with glycine, which is neutral and non-polar, at codon 562 of the ADAM17 protein (p.Glu562Gly). In summary, the available evidence is currently insufficient to determine the role of this variant in disease. Therefore, it has been classified as a Variant of Uncertain Significance. An algorithm developed to predict the effect of missense changes on protein structure and function (PolyPhen-2) suggests that this variant¬† is likely to be tolerated. ClinVar contains an entry for this variant (Variation ID: 1056743). This variant has not been reported in the literature in individuals affected with ADAM17-related conditions. This variant is present in population databases (rs750249923, gnomAD 0.03%).